The following is an entry in ClinVar:

ClinVar aggregate classification (germline): Likely benign (1 of 4 stars; one submission).

Allele frequency attached by ClinVar (database versions not stated): gnomAD exomes 0.00001; ExAC 0.00004; ESP Exome Variant Server 0.00008; gnomAD 0.00014; TOPMed 0.00014; 1000 Genomes Project 30x 0.00016; 1000 Genomes Project 0.00020.
gnomAD v4.1: 44 of 1,613,562 alleles (0.0027%); highest among the groups gnomAD compares: African/African-American, 0.053%; no homozygotes.

Submission:

CeGaT Center for Human Genetics Tuebingen
Classification: Likely benign. Last evaluated: 2023-04-01. Review status: criteria provided, single submitter. Criteria: CeGaT Center For Human Genetics Tuebingen Variant Classification Criteria Version 2. Collection method: clinical testing. Allele origin: germline. Affected: yes. Observed: 1 variant allele.
Comment: AHNAK2: BP4, BP7

NM_138420.4(AHNAK2):c.14286G>A (p.Val4762=)

Gene: AHNAK2 (AHNAK nucleoprotein 2; minus strand). Cytogenetic location: 14q32.33.
Variant type: single nucleotide variant.
Coding change: c.14286G>A on transcript NM_138420.4 (MANE Select); coding-DNA position 14286, G replaced by A.
Protein change: p.Val4762=; no amino-acid change (valine 4762 retained).
Molecular consequence: synonymous variant.
Genome position (GRCh38, 1-based): chr14:104,941,165, C>T on the plus strand (G>A on the coding strand, the complement: AHNAK2 is on the minus strand). VCF-style: chr14-104941165-C-T. GRCh37 (hg19) VCF-style: chr14-105407502-C-T.
Other names: c.13986G>A, p.Val4662= (NM_001350929.2).
Identifiers: ClinVar variation 2644636 (VCV002644636.24), dbSNP rs148568410, ClinGen allele CA7377671.